The following is an entry in ClinVar:

NM_025114.4(CEP290):c.3807T>C (p.Ser1269=)

Gene: CEP290 (centrosomal protein 290; minus strand). Cytogenetic location: 12q21.32.
Variant type: single nucleotide variant.
Coding change: c.3807T>C on transcript NM_025114.4 (MANE Select); coding-DNA position 3807, T replaced by C.
Protein change: p.Ser1269=; no amino-acid change (serine 1269 retained).
Molecular consequence: synonymous variant.
Genome position (GRCh38, 1-based): chr12:88,089,254, A>G on the plus strand (T>C on the coding strand, the complement: CEP290 is on the minus strand). VCF-style: chr12-88089254-A-G. GRCh37 (hg19) VCF-style: chr12-88483031-A-G.
Other names: c.3807T>C (NM_025114.3).
Identifiers: ClinVar variation 1130929 (VCV001130929.10), dbSNP rs1405878362, ClinGen allele CA481304432.

ClinVar aggregate classification (germline): Likely benign. Review status: criteria provided, multiple submitters, no conflicts (2 of 4 stars). 2 submissions from 2 submitters: Likely benign (2). Last evaluated 2026-02-18.

Conditions:
Meckel-Gruber syndrome. Also called: DYSENCEPHALIA SPLANCHNOCYSTICA; Dysencephalia splachnocystica; GRUBER SYNDROME. Identifiers: Orphanet 564, MedGen C0265215, MONDO:0018921.
Joubert syndrome. Also called: Familial aplasia of the vermis; JOUBERT-BOLTSHAUSER SYNDROME. Identifiers: Orphanet 475, MedGen C5979921, MONDO:0018772.
Nephronophthisis. Also called: Juvenile Nephronophthisis. Identifiers: Orphanet 655, MedGen C0687120, MONDO:0019005, HP:0000090.
CEP290-related disorder. Also called: CEP290-related condition; CEP290-related disorders. Identifiers: MedGen CN239314.

Allele frequency attached by ClinVar (database versions not stated): gnomAD exomes below 0.00001.
gnomAD v4.1: 4 of 1,613,980 alleles (0.00025%); highest among the groups gnomAD compares: Non-Finnish European, 0.00034%; no homozygotes.

Submissions (2):

PreventionGenetics, part of Exact Sciences
Classification: Likely benign for CEP290-related condition. Last evaluated: 2026-02-18. Review status: criteria provided, single submitter. Criteria: ACMG Guidelines, 2015. Collection method: clinical testing. Allele origin: germline.
Comment: This variant is classified as likely benign based on ACMG/AMP sequence variant interpretation guidelines (Richards et al. 2015 PMID: 25741868, with internal and published modifications).

Labcorp Genetics (formerly Invitae), Labcorp
Classification: Likely benign for Joubert syndrome; Meckel-Gruber syndrome; Nephronophthisis. Last evaluated: 2022-02-09. Review status: criteria provided, single submitter. Criteria: Invitae Variant Classification Sherloc (09022015). Collection method: clinical testing. Allele origin: germline.